The following is an entry in ClinVar:

ClinVar aggregate classification (germline): Uncertain significance. Review status: criteria provided, multiple submitters, no conflicts (2 of 4 stars). 2 submissions from 2 submitters: Uncertain significance (2). Last evaluated 2025-03-07.

Submissions (2):

Labcorp Genetics (formerly Invitae), Labcorp
Classification: Uncertain significance. Last evaluated: 2025-03-07. Review status: criteria provided, single submitter. Criteria: Invitae Variant Classification Sherloc (09022015). Collection method: clinical testing. Allele origin: germline.
Comment: This sequence change replaces cysteine, which is neutral and slightly polar, with phenylalanine, which is neutral and non-polar, at codon 551 of the NPAT protein (p.Cys551Phe). This variant is not present in population databases (gnomAD no frequency). This variant has not been reported in the literature in individuals affected with NPAT-related conditions. ClinVar contains an entry for this variant (Variation ID: 3222481). An algorithm developed to predict the effect of missense changes on protein structure and function (PolyPhen-2) suggests that this variant is likely to be disruptive. In summary, the available evidence is currently insufficient to determine the role of this variant in disease. Therefore, it has been classified as a Variant of Uncertain Significance.

Ambry Genetics
Classification: Uncertain significance. Last evaluated: 2024-02-10. Review status: criteria provided, single submitter. Criteria: Ambry Variant Classification Scheme 2023. Collection method: clinical testing. Allele origin: germline.
Comment: The p.C551F variant (also known as c.1652G>T), located in coding exon 13 of the NPAT gene, results from a G to T substitution at nucleotide position 1652. The cysteine at codon 551 is replaced by phenylalanine, an amino acid with highly dissimilar properties. This amino acid position is conserved. In addition, this alteration is predicted to be tolerated by in silico analysis. Based on the available evidence, the clinical significance of this alteration remains unclear.

NM_002519.3(NPAT):c.1652G>T (p.Cys551Phe)

Gene: NPAT (nuclear protein, coactivator of histone transcription; minus strand). Cytogenetic location: 11q22.3.
Variant type: single nucleotide variant.
Coding change: c.1652G>T on transcript NM_002519.3 (MANE Select); coding-DNA position 1652, G replaced by T.
Protein change: p.Cys551Phe; replaces cysteine 551 with phenylalanine.
Molecular consequence: missense variant.
Genome position (GRCh38, 1-based): chr11:108,173,332, C>A on the plus strand (G>T on the coding strand, the complement: NPAT is on the minus strand). VCF-style: chr11-108173332-C-A. GRCh37 (hg19) VCF-style: chr11-108044059-C-A.
Other names: c.1652G>T, p.Cys551Phe (NM_001321307.1); short protein forms C551F.
Identifiers: ClinVar variation 3222481 (VCV003222481.2), dbSNP rs1178316656, ClinGen allele CA382514667.